The following is an entry in ClinVar:

NM_000053.4(ATP7B):c.3512A>T (p.Asp1171Val)

Gene: ATP7B (ATPase copper transporting beta; minus strand). Cytogenetic location: 13q14.3.
Variant type: single nucleotide variant.
Coding change: c.3512A>T on transcript NM_000053.4 (MANE Select); coding-DNA position 3512, A replaced by T.
Protein change: p.Asp1171Val; replaces aspartic acid 1171 with valine.
Molecular consequence: missense variant. On other transcripts: intron variant (2).
Genome position (GRCh38, 1-based): chr13:51,941,125, T>A on the plus strand (A>T on the coding strand, the complement: ATP7B is on the minus strand). VCF-style: chr13-51941125-T-A. GRCh37 (hg19) VCF-style: chr13-52515261-T-A.
Other names: c.2891A>T, p.Asp964Val (NM_001005918.3); c.3179A>T, p.Asp1060Val (NM_001243182.2); c.3278A>T, p.Asp1093Val (NM_001330578.2, NM_001406527.1, NM_001406528.1); c.3260A>T, p.Asp1087Val (NM_001330579.2, NM_001406531.1, NM_001406532.1); c.3512A>T, p.Asp1171Val (NM_001406511.1, NM_001406512.1, NM_001406526.1); c.3506A>T, p.Asp1169Val (NM_001406513.1); c.3479A>T, p.Asp1160Val (NM_001406514.1); c.3458A>T, p.Asp1153Val (NM_001406515.1, NM_001406516.1); and 20 more; short protein forms D1009V, D1022V, D1087V, D1106V, D1110V, D1123V, D1139V, D1171V.
Identifiers: ClinVar variation 5032384 (VCV005032384.1).
Genomic context (GRCh38, chr13:51,941,125, plus strand): 5'-CAGAAGCAGAAGATACCGTCAATAGCCACCAGGATGGCTGTCTGTCCTTTCATCTCGTGG[T>A]CTGTCATAGCGTCACTGACATCGCTAGAAATGGTTAAACCGTTGCGCCTCAGCCACTCAC-3'
Protein context (NP_000044.2, residues 1161-1181): ISSDVSDAMT[Asp1171Val]HEMKGQTAIL

ClinVar aggregate classification (germline): Uncertain significance (1 of 4 stars; one submission).

Conditions:
Inborn genetic diseases. Identifiers: MedGen C0950123, MeSH D030342.

Submission:

Ambry Genetics
Classification: Uncertain significance for Inborn genetic diseases. Last evaluated: 2026-07-02. Review status: criteria provided, single submitter. Criteria: Ambry Variant Classification Scheme 2023. Collection method: clinical testing. Allele origin: germline.
Comment: The p.D1171V variant (also known as c.3512A>T), located in coding exon 16 of the ATP7B gene, results from an A to T substitution at nucleotide position 3512. The aspartic acid at codon 1171 is replaced by valine, an amino acid with highly dissimilar properties. This amino acid position is conserved. In addition, the in silico prediction for this alteration is inconclusive. Based on the available evidence, the clinical significance of this variant remains unclear.